The following is an entry in ClinVar:

NM_001166108.2(PALLD):c.552A>C (p.Lys184Asn)

Gene: PALLD (palladin, cytoskeletal associated protein; plus strand). Cytogenetic location: 4q32.3.
Variant type: single nucleotide variant.
Coding change: c.552A>C on transcript NM_001166108.2 (MANE Select); coding-DNA position 552, A replaced by C.
Protein change: p.Lys184Asn; replaces lysine 184 with asparagine.
Molecular consequence: missense variant.
Genome position (GRCh38, 1-based): chr4:168,512,056, A>C. VCF-style: chr4-168512056-A-C. GRCh37 (hg19) VCF-style: chr4-169433207-A-C.
Other names: c.552A>C, p.Lys184Asn (NM_016081.4); short protein forms K184N.
Identifiers: ClinVar variation 3413573 (VCV003413573.1).

ClinVar aggregate classification (germline): Uncertain significance (1 of 4 stars; one submission).

Submission:

Ambry Genetics
Classification: Uncertain significance. Last evaluated: 2024-07-06. Review status: criteria provided, single submitter. Criteria: Ambry Variant Classification Scheme 2023. Collection method: clinical testing. Allele origin: germline.
Comment: The p.K184N variant (also known as c.552A>C), located in coding exon 1 of the PALLD gene, results from an A to C substitution at nucleotide position 552. The lysine at codon 184 is replaced by asparagine, an amino acid with similar properties. This amino acid position is conserved. In addition, this alteration is predicted to be tolerated by in silico analysis. Based on the available evidence, the clinical significance of this variant remains unclear.